The following is an entry in ClinVar:

ClinVar aggregate classification (germline): Uncertain significance. Review status: criteria provided, multiple submitters, no conflicts (2 of 4 stars). 3 submissions from 3 submitters: Uncertain significance (3). Last evaluated 2025-12-16.

Conditions:
DSG1-related disorder. Also called: DSG1-related condition.
Inborn genetic diseases. Identifiers: MedGen C0950123, MeSH D030342.

Allele frequency attached by ClinVar (database versions not stated): ExAC 0.00001; gnomAD 0.00003; 1000 Genomes Project 30x 0.00016; 1000 Genomes Project 0.00020.
gnomAD v4.1: 30 of 1,614,172 alleles (0.0019%); highest among the groups gnomAD compares: Admixed American, 0.042%; no homozygotes.

Submissions (3):

PreventionGenetics, part of Exact Sciences
Classification: Uncertain significance for DSG1-related condition. Last evaluated: 2025-12-16. Review status: criteria provided, single submitter. Criteria: ACMG Guidelines, 2015. Collection method: clinical testing. Allele origin: germline.
Comment: The DSG1 c.2218G>A variant is predicted to result in the amino acid substitution p.Gly740Arg. To our knowledge, this variant has not been reported in the literature. This variant is reported in 0.012% of alleles in individuals of Latino descent in gnomAD. At this time, the clinical significance of this variant is uncertain due to the absence of conclusive functional and genetic evidence.

Labcorp Genetics (formerly Invitae), Labcorp
Classification: Uncertain significance. Last evaluated: 2025-11-25. Review status: criteria provided, single submitter. Criteria: Invitae Variant Classification Sherloc (09022015). Collection method: clinical testing. Allele origin: germline.
Comment: This sequence change replaces glycine, which is neutral and non-polar, with arginine, which is basic and polar, at codon 740 of the DSG1 protein (p.Gly740Arg). This variant is present in population databases (rs200136926, gnomAD 0.01%). This variant has not been reported in the literature in individuals affected with DSG1-related conditions. ClinVar contains an entry for this variant (Variation ID: 2191140). Invitae Evidence Modeling of protein sequence and biophysical properties (such as structural, functional, and spatial information, amino acid conservation, physicochemical variation, residue mobility, and thermodynamic stability) indicates that this missense variant is not expected to disrupt DSG1 protein function with a negative predictive value of 80%. In summary, the available evidence is currently insufficient to determine the role of this variant in disease. Therefore, it has been classified as a Variant of Uncertain Significance.

Ambry Genetics
Classification: Uncertain significance for Inborn genetic diseases. Last evaluated: 2025-03-17. Review status: criteria provided, single submitter. Criteria: Ambry Variant Classification Scheme 2023. Collection method: clinical testing. Allele origin: germline.

NM_001942.4(DSG1):c.2218G>A (p.Gly740Arg)

Genes: DSG1 (desmoglein 1; plus strand), DSG1-AS1 (DSG1 antisense RNA 1; minus strand), LOC126862720 (MED14-independent group 3 enhancer GRCh37_chr18:28933613-28934812; plus strand). Cytogenetic location: 18q12.1.
Variant type: single nucleotide variant.
Coding change: c.2218G>A on transcript NM_001942.4 (MANE Select); coding-DNA position 2218, G replaced by A.
Protein change: p.Gly740Arg; replaces glycine 740 with arginine.
Molecular consequence: missense variant. On other transcripts: non-coding transcript variant (1).
Genome position (GRCh38, 1-based): chr18:31,354,414, G>A. VCF-style: chr18-31354414-G-A. GRCh37 (hg19) VCF-style: chr18-28934377-G-A.
Other names: c.2218G>A (NM_001942.2, NM_001942.3); short protein forms G740R.
Identifiers: ClinVar variation 2191140 (VCV002191140.7), dbSNP rs200136926, ClinGen allele CA8926317.